The following is an entry in ClinVar:

ClinVar aggregate classification (germline): Pathogenic. Review status: criteria provided, multiple submitters, no conflicts (2 of 4 stars). 2 submissions from 2 submitters: Pathogenic (2). Last evaluated 2022-10-28.

Conditions:
Arrhythmogenic right ventricular dysplasia 9 (ARVD9). Also called: Arrhythmogenic Right Ventricular Dysplasia/Cardiomyopathy 9; ARRHYTHMOGENIC RIGHT VENTRICULAR DYSPLASIA, FAMILIAL, 9. Identifiers: MedGen C1836906, MONDO:0012180, OMIM 609040.

Submissions (2):

Labcorp Genetics (formerly Invitae), Labcorp
Classification: Pathogenic for Arrhythmogenic right ventricular dysplasia 9. Last evaluated: 2022-10-28. Review status: criteria provided, single submitter. Criteria: Invitae Variant Classification Sherloc (09022015). Collection method: clinical testing. Allele origin: germline.
Comment: For these reasons, this variant has been classified as Pathogenic. Algorithms developed to predict the effect of sequence changes on RNA splicing suggest that this variant may disrupt the consensus splice site. ClinVar contains an entry for this variant (Variation ID: 449736). Disruption of this splice site has been observed in individuals with arrhythmogenic cardiomyopathy (PMID: 19863551, 20400443). This variant is not present in population databases (gnomAD no frequency). This sequence change affects an acceptor splice site in intron 7 of the PKP2 gene. It is expected to disrupt RNA splicing. Variants that disrupt the donor or acceptor splice site typically lead to a loss of protein function (PMID: 16199547), and loss-of-function variants in PKP2 are known to be pathogenic (PMID: 15489853, 23911551).

GeneDx
Classification: Pathogenic. Last evaluated: 2016-05-16. Review status: criteria provided, single submitter. Criteria: GeneDx Variant Classification (06012015). Collection method: clinical testing. Allele origin: germline. Affected: yes.
Comment: Although the c.1689-2 A>G variant has not been reported as a pathogenic variant or as a benign variant to our knowledge, it destroys the canonical splice acceptor site in intron 7 and is predicted to cause abnormal gene splicing. This variant is predicted to lead to either an abnormal message that is subject to nonsense-mediated mRNA decay, or to an abnormal protein product if the message is used for protein translation. Other splice site variants in the PKP2 gene, including one that impacts the same splice acceptor site (c.1689-1 G>C) have been reported in association with ARVC (Fressart et al., 2010; Stenson et al., 2014). Furthermore, the c.1689-2 A>G variant was not observed in approximately 6,500 individuals of European and African American ancestry in the NHLBI Exome Sequencing Project, indicating it is not a common benign variant in these populations.In summary, c.1689-2 A>G in the PKP2 gene is interpreted as a pathogenic variant.

Literature cited by the submitters: PubMed 19863551 (cited by Labcorp Genetics (formerly Invitae), Labcorp); PubMed 20400443 (cited by Labcorp Genetics (formerly Invitae), Labcorp); PubMed 16199547 (cited by Labcorp Genetics (formerly Invitae), Labcorp); PubMed 15489853 (cited by Labcorp Genetics (formerly Invitae), Labcorp); PubMed 23911551 (cited by Labcorp Genetics (formerly Invitae), Labcorp).

NM_001005242.3(PKP2):c.1557-2A>G

Gene: PKP2 (plakophilin 2; minus strand). Cytogenetic location: 12p11.21.
Variant type: single nucleotide variant.
Coding change: c.1557-2A>G on transcript NM_001005242.3 (MANE Select); the canonical splice acceptor site of the intron before coding-DNA position 1557, A replaced by G.
Molecular consequence: splice acceptor variant.
Genome position (GRCh38, 1-based): chr12:32,824,164, T>C on the plus strand (A>G on the coding strand, the complement: PKP2 is on the minus strand). VCF-style: chr12-32824164-T-C. GRCh37 (hg19) VCF-style: chr12-32977098-T-C.
Other names: c.1557-2A>G (NM_001407156.1, NM_001407155.1, NM_001407161.1); c.1689-2A>G (NM_004572.4, NM_001407157.1); c.1230-2A>G (NM_001407160.1, NM_001407159.1, NM_001407158.1 and 1 more transcripts).
Identifiers: ClinVar variation 449736 (VCV000449736.10), dbSNP rs1555143143, ClinGen allele CA384365117.
Genomic context (GRCh38, chr12:32,824,164, plus strand): 5'-TGAGTCCGTCACATCTTCTCATCGCTTTTCTCCCATCAGCGCCAGCAGAACTCATGTTTC[T>C]ATCAGAAAAAACAAAAAACAAAAAAGTAAGTCTAGGCTGTGTATCCAACAGGTCTTTGTT-3'